The following is an entry in ClinVar:

NM_032119.4(ADGRV1):c.3031G>A (p.Val1011Ile)

Gene: ADGRV1 (adhesion G protein-coupled receptor V1; plus strand). Cytogenetic location: 5q14.3.
Variant type: single nucleotide variant.
Coding change: c.3031G>A on transcript NM_032119.4 (MANE Select); coding-DNA position 3031, G replaced by A.
Protein change: p.Val1011Ile; replaces valine 1011 with isoleucine.
Molecular consequence: missense variant. On other transcripts: non-coding transcript variant (1).
Genome position (GRCh38, 1-based): chr5:90,647,506, G>A. VCF-style: chr5-90647506-G-A. GRCh37 (hg19) VCF-style: chr5-89943323-G-A.
Other names: short protein forms V1011I.
Identifiers: ClinVar variation 1710773 (VCV001710773.2), dbSNP rs1479882212, ClinGen allele CA360392968.
Genomic context (GRCh38, chr5:90,647,506, plus strand): 5'-TATGTGATGGAATCAGAAAAGCTCATGTGTTCTTTCTTTGTGGATATTTCAGAACCTCGT[G>A]TAGTGAGGGTTCAGGAAGGTGAGACTGCCAACTTTACAGTTCTCAGAAATGGATCTGTTG-3'
Protein context (NP_115495.3, residues 1001-1021): DDPIYFAEPR[Val1011Ile]VRVQEGETAN

ClinVar aggregate classification (germline): Uncertain significance (1 of 4 stars; one submission).

Allele frequency attached by ClinVar (database versions not stated): gnomAD 0.00001; TOPMed 0.00001.
gnomAD v4.1: 2 of 1,611,138 alleles (0.00012%); highest among the groups gnomAD compares: African/African-American, 0.0013%; no homozygotes.

Submission:

GeneDx
Classification: Uncertain significance. Last evaluated: 2022-04-14. Review status: criteria provided, single submitter. Criteria: GeneDx Variant Classification Process June 2021. Collection method: clinical testing. Allele origin: germline. Affected: yes.
Comment: Not observed at significant frequency in large population cohorts (gnomAD); In silico analysis supports that this missense variant does not alter protein structure/function; Has not been previously published as pathogenic or benign to our knowledge